The following is an entry in ClinVar:

NM_001375567.1(FOCAD):c.5147T>C (p.Leu1716Pro)

Gene: FOCAD (focadhesin; plus strand). Cytogenetic location: 9p21.3.
Variant type: single nucleotide variant.
Coding change: c.5147T>C on transcript NM_001375567.1 (MANE Select); coding-DNA position 5147, T replaced by C.
Protein change: p.Leu1716Pro; replaces leucine 1716 with proline.
Molecular consequence: missense variant.
Genome position (GRCh38, 1-based): chr9:20,990,265, T>C. VCF-style: chr9-20990265-T-C. GRCh37 (hg19) VCF-style: chr9-20990264-T-C.
Other names: c.5042T>C, p.Leu1681Pro (NM_001375568.1, NM_001375570.1); c.5147T>C, p.Leu1716Pro (NM_017794.5); short protein forms L1716P, L1681P.
Identifiers: ClinVar variation 4754648 (VCV004754648.1).

ClinVar aggregate classification (germline): Uncertain significance (1 of 4 stars; one submission).

gnomAD v4.1: 60 of 1,614,184 alleles (0.0037%); highest among the groups gnomAD compares: Middle Eastern, 0.05%; no homozygotes.

Submission:

Labcorp Genetics (formerly Invitae), Labcorp
Classification: Uncertain significance. Last evaluated: 2025-07-20. Review status: criteria provided, single submitter. Criteria: Invitae Variant Classification Sherloc (09022015). Collection method: clinical testing. Allele origin: germline.
Comment: This sequence change replaces leucine, which is neutral and non-polar, with proline, which is neutral and non-polar, at codon 1716 of the FOCAD protein (p.Leu1716Pro). This variant is present in population databases (rs375307034, gnomAD 0.03%). This variant has not been reported in the literature in individuals affected with FOCAD-related conditions. Experimental studies and prediction algorithms are not available or were not evaluated, and the functional significance of this variant is currently unknown. In summary, the available evidence is currently insufficient to determine the role of this variant in disease. Therefore, it has been classified as a Variant of Uncertain Significance.